The following is an entry in ClinVar:

NM_024409.4(NPPC):c.127C>A (p.Pro43Thr)

Gene: NPPC (natriuretic peptide C; minus strand). Cytogenetic location: 2q37.1.
Variant type: single nucleotide variant.
Coding change: c.127C>A on transcript NM_024409.4 (MANE Select); coding-DNA position 127, C replaced by A.
Protein change: p.Pro43Thr; replaces proline 43 with threonine.
Molecular consequence: missense variant.
Genome position (GRCh38, 1-based): chr2:231,925,679, G>T on the plus strand (C>A on the coding strand, the complement: NPPC is on the minus strand). VCF-style: chr2-231925679-G-T. GRCh37 (hg19) VCF-style: chr2-232790389-G-T.
Other names: short protein forms P43T.
Identifiers: ClinVar variation 4807336 (VCV004807336.1).

ClinVar aggregate classification (germline): Uncertain significance (1 of 4 stars; one submission).

gnomAD v4.1: 2 of 1,592,460 alleles (0.00013%); highest among the groups gnomAD compares: African/African-American, 0.0027%; no homozygotes.

Submission:

Labcorp Genetics (formerly Invitae), Labcorp
Classification: Uncertain significance. Last evaluated: 2026-02-03. Review status: criteria provided, single submitter. Criteria: Invitae Variant Classification Sherloc (09022015). Collection method: clinical testing. Allele origin: germline.
Comment: This sequence change replaces proline, which is neutral and non-polar, with threonine, which is neutral and polar, at codon 43 of the NPPC protein (p.Pro43Thr). This variant is not present in population databases (gnomAD no frequency). This variant has not been reported in the literature in individuals affected with NPPC-related conditions. An algorithm developed to predict the effect of missense changes on protein structure and function outputs the following: PolyPhen-2: "Possibly Damaging". The threonine amino acid residue is found in multiple mammalian species, which suggests that this missense change does not adversely affect protein function. In summary, the available evidence is currently insufficient to determine the role of this variant in disease. Therefore, it has been classified as a Variant of Uncertain Significance.